The following is an entry in ClinVar:

ClinVar aggregate classification (germline): Uncertain significance. Review status: criteria provided, multiple submitters, no conflicts (2 of 4 stars). 2 submissions from 2 submitters: Uncertain significance (2). Last evaluated 2025-05-25.

Conditions:
Neurofibromatosis, type 1 (NF1). Also called: VON RECKLINGHAUSEN DISEASE; NEUROFIBROMATOSIS, TYPE I, SOMATIC; Peripheral type neurofibromatosis; Neurofibromatosis, type I. Identifiers: Orphanet 636, MedGen C0027831, MONDO:0018975, OMIM 162200. Disease mechanism: loss of function.
Café-au-lait macules with pulmonary stenosis (WTSN). Also called: PULMONIC STENOSIS WITH CAFE-AU-LAIT SPOTS. Identifiers: MedGen C0553586, MONDO:0008672, OMIM 193520.
Neurofibromatosis-Noonan syndrome (NFNS). Also called: NEUROFIBROMATOSIS WITH NOONAN PHENOTYPE. Identifiers: Orphanet 638, MedGen C2931482, MONDO:0011035, OMIM 601321. Disease mechanism: loss of function.
Neurofibromatosis, familial spinal (FSNF). Identifiers: Orphanet 636, MedGen C1834235, MONDO:0008078, OMIM 162210. Disease mechanism: loss of function.
Juvenile myelomonocytic leukemia (JMML). Also called: LEUKEMIA, JUVENILE MYELOMONOCYTIC, SOMATIC. Identifiers: Orphanet 86834, MedGen C0349639, MONDO:0011908, OMIM 607785, HP:0012209.

Submissions (2):

Labcorp Genetics (formerly Invitae), Labcorp
Classification: Uncertain significance for Neurofibromatosis, type 1. Last evaluated: 2025-05-25. Review status: criteria provided, single submitter. Criteria: Invitae Variant Classification Sherloc (09022015). Collection method: clinical testing. Allele origin: germline.
Comment: This sequence change falls in intron 26 of the NF1 gene. It does not directly change the encoded amino acid sequence of the NF1 protein. It affects a nucleotide within the consensus splice site. This variant is not present in population databases (gnomAD no frequency). This variant has not been reported in the literature in individuals affected with NF1-related conditions. ClinVar contains an entry for this variant (Variation ID: 2759002). Variants that disrupt the consensus splice site are a relatively common cause of aberrant splicing (PMID: 17576681, 9536098). Algorithms developed to predict the effect of sequence changes on RNA splicing suggest that this variant may disrupt the consensus splice site. This variant disrupts the c.3496+5G nucleotide in the NF1 gene. Other variant(s) that disrupt this nucleotide have been determined to be pathogenic (PMID: 17311297, 18546366; internal data). This suggests that this nucleotide is clinically significant, and that variants that disrupt this position are likely to be disease-causing. In summary, the available evidence is currently insufficient to determine the role of this variant in disease. Therefore, it has been classified as a Variant of Uncertain Significance.

Juno Genomics, Hangzhou Juno Genomics, Inc
Classification: Uncertain significance for Neurofibromatosis, type 1; Juvenile myelomonocytic leukemia; Neurofibromatosis, familial spinal; Neurofibromatosis-Noonan syndrome; Café-au-lait macules with pulmonary stenosis. Review status: criteria provided, single submitter. Criteria: ACMG Guidelines, 2015. Collection method: clinical testing. Allele origin: germline. Affected: yes.
Comment: Absent from controls (or at extremely low frequency if recessive) in Genome Aggregation Database, Exome Sequencing Project, 1000 Genomes Project, or Exome Aggregation Consortium.;Multiple lines of computational evidence support a deleterious effect on the gene or gene product (conservation, evolutionary, splicing impact, etc).

Literature cited by the submitters: PubMed 17576681 (cited by Labcorp Genetics (formerly Invitae), Labcorp); PubMed 9536098 (cited by Labcorp Genetics (formerly Invitae), Labcorp); PubMed 17311297 (cited by Labcorp Genetics (formerly Invitae), Labcorp); PubMed 18546366 (cited by Labcorp Genetics (formerly Invitae), Labcorp).

NM_001042492.3(NF1):c.3496+5G>T

Gene: NF1 (neurofibromin 1; plus strand). Cytogenetic location: 17q11.2.
Variant type: single nucleotide variant.
Coding change: c.3496+5G>T on transcript NM_001042492.3 (MANE Select); 5 bases into the intron after coding-DNA position 3496, G replaced by T.
Molecular consequence: intron variant.
Genome position (GRCh38, 1-based): chr17:31,232,886, G>T. VCF-style: chr17-31232886-G-T. GRCh37 (hg19) VCF-style: chr17-29559904-G-T.
Other names: c.3496+5G>T (NM_000267.4).
Identifiers: ClinVar variation 2759002 (VCV002759002.5), dbSNP rs786202564, ClinGen allele CA2697559797.